The following continues an entry in ClinVar:

NM_002471.4(MYH6):c.4193G>A (p.Arg1398Gln)

Gene: MYH6. ClinVar aggregate classification (germline): Conflicting classifications of pathogenicity. Uncertain significance (8); Likely benign (2).

Submissions 11 to 16 of 16:

PreventionGenetics, part of Exact Sciences
Classification: Uncertain significance for MYH6-related condition. Last evaluated: 2023-12-26. Review status: no assertion criteria provided. Collection method: clinical testing. Allele origin: germline. Not counted in ClinVar's aggregate classification.
Comment: The MYH6 c.4193G>A variant is predicted to result in the amino acid substitution p.Arg1398Gln. This variant has been reported in an individual with cardiac arrhythmia and an asymptomatic individual with a family history of cardiomyopathy (Table S8/S9 - Gonzalez-Garay et al. 2013. PubMed ID: 24082139). This variant has been reported in multiple individuals with cardiomyopathy (Bottillo et al. 2016. PubMed ID: 26656175; Hertz et al. 2016. PubMed ID: 26383259; Supplemental File 2, van Lint et al. 2019. PubMed ID: 30847666; Table S2, van der Meulen et al. 2022. PubMed ID: 36178741) and in an individual with sudden cardiac arrest (Asatryan et al. 2019. PubMed ID: 30975432). In at least two of these individuals the variant co-occurred with a pathogenic variant in different gene (Bottillo et al. 2016. PubMed ID: 26656175; Asatryan et al. 2019. PubMed ID: 30975432). Additionally, this variant was found in an individual with pulmonary stenosis (Pulignani et al. 2018. PubMed ID: 29332214). This variant is reported in 0.065% of alleles in individuals of South Asian descent in gnomAD and has conflicting interpretations of likely benign and uncertain. Although we suspect that this variant may be benign, at this time, the clinical significance of this variant is uncertain due to the absence of conclusive functional and genetic evidence.

Clinical Genetics DNA and cytogenetics Diagnostics Lab, Erasmus MC, Erasmus Medical Center
Classification: Uncertain significance. Review status: no assertion criteria provided. Collection method: clinical testing. Allele origin: germline. Affected: yes. Study: VKGL Data-share Consensus. Not counted in ClinVar's aggregate classification.

Clinical Genetics, Academic Medical Center
Classification: Uncertain significance. Review status: no assertion criteria provided. Collection method: clinical testing. Allele origin: germline. Affected: yes. Study: VKGL Data-share Consensus. Not counted in ClinVar's aggregate classification.

Diagnostic Laboratory, Department of Genetics, University Medical Center Groningen
Classification: Uncertain significance. Review status: no assertion criteria provided. Collection method: clinical testing. Allele origin: germline. Affected: yes. Study: VKGL Data-share Consensus. Not counted in ClinVar's aggregate classification.

Genome Diagnostics Laboratory, University Medical Center Utrecht
Classification: Uncertain significance. Review status: no assertion criteria provided. Collection method: clinical testing. Allele origin: germline. Affected: yes. Study: VKGL Data-share Consensus. Not counted in ClinVar's aggregate classification.

Laboratory of Diagnostic Genome Analysis, Leiden University Medical Center (LUMC)
Classification: Uncertain significance. Review status: no assertion criteria provided. Collection method: clinical testing. Allele origin: germline. Affected: yes. Study: VKGL Data-share Consensus. Not counted in ClinVar's aggregate classification.

Literature cited by the submitters: PubMed 24082139 (cited by 4 submitters); PubMed 26383259 (cited by Labcorp Genetics (formerly Invitae), Labcorp and Ambry Genetics); PubMed 26656175 (cited by 3 submitters); PubMed 29517769 (cited by 3 submitters); PubMed 30847666 (cited by Labcorp Genetics (formerly Invitae), Labcorp and Ambry Genetics); PubMed 30975432 (cited by Labcorp Genetics (formerly Invitae), Labcorp and Ambry Genetics); PubMed 36178741 (cited by Labcorp Genetics (formerly Invitae), Labcorp and Women's Health and Genetics/Laboratory Corporation of America, LabCorp); PubMed 23861362 (cited by Women's Health and Genetics/Laboratory Corporation of America, LabCorp and Ambry Genetics); PubMed 25351510 (cited by Women's Health and Genetics/Laboratory Corporation of America, LabCorp and Ambry Genetics); PubMed 26350513 (cited by Women's Health and Genetics/Laboratory Corporation of America, LabCorp); PubMed 28087566 (cited by Women's Health and Genetics/Laboratory Corporation of America, LabCorp and Ambry Genetics); PubMed 25500235 (cited by Women's Health and Genetics/Laboratory Corporation of America, LabCorp and Ambry Genetics); PubMed 29332214 (cited by Women's Health and Genetics/Laboratory Corporation of America, LabCorp and Ambry Genetics).